The following is an entry in ClinVar:

ClinVar aggregate classification (germline): Uncertain significance (1 of 4 stars; one submission).

Allele frequency attached by ClinVar (database versions not stated): gnomAD exomes below 0.00001 and 0.00001.
gnomAD v4.1: 2 of 1,613,222 alleles (0.00012%); highest among the groups gnomAD compares: South Asian, 0.0022%; no homozygotes.

Submission:

Labcorp Genetics (formerly Invitae), Labcorp
Classification: Uncertain significance. Last evaluated: 2022-11-01. Review status: criteria provided, single submitter. Criteria: Invitae Variant Classification Sherloc (09022015). Collection method: clinical testing. Allele origin: germline.
Comment: This sequence change replaces proline, which is neutral and non-polar, with serine, which is neutral and polar, at codon 235 of the LONP1 protein (p.Pro235Ser). In summary, the available evidence is currently insufficient to determine the role of this variant in disease. Therefore, it has been classified as a Variant of Uncertain Significance. Algorithms developed to predict the effect of missense changes on protein structure and function output the following: SIFT: "Tolerated"; PolyPhen-2: "Benign"; Align-GVGD: "Class C0". The serine amino acid residue is found in multiple mammalian species, which suggests that this missense change does not adversely affect protein function. ClinVar contains an entry for this variant (Variation ID: 1388285). This variant has not been reported in the literature in individuals affected with LONP1-related conditions. This variant is present in population databases (no rsID available, gnomAD 0.006%).

NM_004793.4(LONP1):c.703C>T (p.Pro235Ser)

Gene: LONP1 (lon peptidase 1, mitochondrial; minus strand). Cytogenetic location: 19p13.3.
Variant type: single nucleotide variant.
Coding change: c.703C>T on transcript NM_004793.4 (MANE Select); coding-DNA position 703, C replaced by T.
Protein change: p.Pro235Ser; replaces proline 235 with serine.
Molecular consequence: missense variant. On other transcripts: non-coding transcript variant (1).
Genome position (GRCh38, 1-based): chr19:5,711,938, G>A on the plus strand (C>T on the coding strand, the complement: LONP1 is on the minus strand). VCF-style: chr19-5711938-G-A. GRCh37 (hg19) VCF-style: chr19-5711949-G-A.
Other names: c.511C>T, p.Pro171Ser (NM_001276479.2); c.115C>T, p.Pro39Ser (NM_001276480.1); short protein forms P171S, P235S, P39S.
Identifiers: ClinVar variation 1388285 (VCV001388285.6), dbSNP rs1459401410, ClinGen allele CA403539130.